The following is an entry in ClinVar:

NM_002228.4(JUN):c.658C>G (p.Pro220Ala)

Genes: JUN (Jun proto-oncogene, AP-1 transcription factor subunit; minus strand), LOC129930620 (ATAC-STARR-seq lymphoblastoid silent region 934; plus strand). Cytogenetic location: 1p32.1.
Variant type: single nucleotide variant.
Coding change: c.658C>G on transcript NM_002228.4 (MANE Select); coding-DNA position 658, C replaced by G.
Protein change: p.Pro220Ala; replaces proline 220 with alanine.
Molecular consequence: missense variant.
Genome position (GRCh38, 1-based): chr1:58,782,413, G>C on the plus strand (C>G on the coding strand, the complement: JUN is on the minus strand). VCF-style: chr1-58782413-G-C. GRCh37 (hg19) VCF-style: chr1-59248085-G-C.
Other names: short protein forms P220A.
Identifiers: ClinVar variation 56164 (VCV000056164.5), dbSNP rs377289876, ClinGen allele CA215979.

ClinVar aggregate classification (germline): Uncertain significance. Review status: criteria provided, single submitter (1 of 4 stars). 2 submissions from 2 submitters: Uncertain significance (1). 1 of the submissions does not count toward it. Last evaluated 2024-01-23.

Allele frequency attached by ClinVar (database versions not stated): gnomAD 0.00017; gnomAD exomes 0.00026; ExAC 0.00032; ESP Exome Variant Server 0.00008; 1000 Genomes Project 30x 0.00016; TOPMed 0.00019.
gnomAD v4.1: 404 of 1,609,132 alleles (0.025%); highest among the groups gnomAD compares: Admixed American, 0.037%; no homozygotes.

Submissions (2):

Ambry Genetics
Classification: Uncertain significance. Last evaluated: 2024-01-23. Review status: criteria provided, single submitter. Criteria: Ambry Variant Classification Scheme 2023. Collection method: clinical testing. Allele origin: germline.

Stoller Lab Children's Hospital of Philadelphia
No classification provided. Review status: no classification provided. Collection method: not provided. Allele origin: unknown. Not counted in ClinVar's aggregate classification.